The following is an entry in ClinVar:

ClinVar aggregate classification (germline): Uncertain significance (1 of 4 stars; one submission).

Conditions:
Familial hemophagocytic lymphohistiocytosis 3 (FHL3). Also called: UNC13D-Related Familial Hemophagocytic Lymphohistiocytosis (UNC13D-fHLH). Identifiers: Orphanet 540, MedGen C1837174, MONDO:0012146, OMIM 608898.

Allele frequency attached by ClinVar (database versions not stated): gnomAD 0.00003; ESP Exome Variant Server 0.00008; TOPMed 0.00008; ExAC 0.00020.
gnomAD v4.1: 128 of 1,594,552 alleles (0.008%); highest among the groups gnomAD compares: Middle Eastern, 0.017%; no homozygotes.

Submission:

Labcorp Genetics (formerly Invitae), Labcorp
Classification: Uncertain significance for Familial hemophagocytic lymphohistiocytosis 3. Last evaluated: 2026-01-12. Review status: criteria provided, single submitter. Criteria: Invitae Variant Classification Sherloc (09022015). Collection method: clinical testing. Allele origin: germline.
Comment: This sequence change replaces arginine, which is basic and polar, with glutamine, which is neutral and polar, at codon 1075 of the UNC13D protein (p.Arg1075Gln). This variant is present in population databases (rs377594755, gnomAD 0.01%). This missense change has been observed in individual(s) with UNC13D-related conditions, although a second variant was not identified (PMID: 31681265). ClinVar contains an entry for this variant (Variation ID: 533102). Invitae Evidence Modeling of protein sequence and biophysical properties (such as structural, functional, and spatial information, amino acid conservation, physicochemical variation, residue mobility, and thermodynamic stability) indicates that this missense variant is not expected to disrupt UNC13D protein function with a negative predictive value of 80%. In summary, the available evidence is currently insufficient to determine the role of this variant in disease. Therefore, it has been classified as a Variant of Uncertain Significance.

Literature cited by the submitters: PubMed 31681265.

NM_199242.3(UNC13D):c.3224G>A (p.Arg1075Gln)

Gene: UNC13D (unc-13 homolog D; minus strand). Cytogenetic location: 17q25.1.
Variant type: single nucleotide variant.
Coding change: c.3224G>A on transcript NM_199242.3 (MANE Select); coding-DNA position 3224, G replaced by A.
Protein change: p.Arg1075Gln; replaces arginine 1075 with glutamine.
Molecular consequence: missense variant.
Genome position (GRCh38, 1-based): chr17:75,828,014, C>T on the plus strand (G>A on the coding strand, the complement: UNC13D is on the minus strand). VCF-style: chr17-75828014-C-T. GRCh37 (hg19) VCF-style: chr17-73824095-C-T.
Other names: short protein forms R1075Q.
Identifiers: ClinVar variation 533102 (VCV000533102.5), dbSNP rs377594755, ClinGen allele CA8772222.
Genomic context (GRCh38, chr17:75,828,014, plus strand): 5'-AACCTCTACGGCTACGGTGCCGGCCGCAAGGCATGCTGGGAGGCCTGCTTGGCCCGGTGC[C>T]GCCGCAGCCTCACAAAGACCTGGGCTTCTCGGTCACCCTTCCGGCCCTCCAGCAGCTGCA-3'
Protein context (NP_954712.1, residues 1065-1085): REAQVFVRLR[Arg1075Gln]HRAKQASQHA